The following is an entry in ClinVar:

NM_001363118.2(SLC52A2):c.1315T>C (p.Cys439Arg)

Gene: SLC52A2 (solute carrier family 52 member 2; plus strand). Cytogenetic location: 8q24.3.
Variant type: single nucleotide variant.
Coding change: c.1315T>C on transcript NM_001363118.2 (MANE Select); coding-DNA position 1315, T replaced by C.
Protein change: p.Cys439Arg; replaces cysteine 439 with arginine.
Molecular consequence: missense variant. On other transcripts: non-coding transcript variant (1).
Genome position (GRCh38, 1-based): chr8:144,360,992, T>C. VCF-style: chr8-144360992-T-C. GRCh37 (hg19) VCF-style: chr8-145584652-T-C.
Other names: c.1315T>C, p.Cys439Arg (NM_001253815.2, NM_001253816.2, NM_001363120.2 and 2 more transcripts); c.823T>C, p.Cys275Arg (NM_001363122.2); short protein forms C275R, C439R.
Identifiers: ClinVar variation 1016361 (VCV001016361.5), dbSNP rs1554854661, ClinGen allele CA372630470.

ClinVar aggregate classification (germline): Uncertain significance (1 of 4 stars; one submission).

Conditions:
Brown-Vialetto-van Laere syndrome 2. Also called: Riboflavin transporter deficiency type 2; SPINOCEREBELLAR ATAXIA WITH BLINDNESS AND DEAFNESS 2. Identifiers: Orphanet 572543, Orphanet 97229, MedGen C3553538, MONDO:0013867, OMIM 614707.

Submission:

Labcorp Genetics (formerly Invitae), Labcorp
Classification: Uncertain significance for Brown-Vialetto-van Laere syndrome 2. Last evaluated: 2020-07-26. Review status: criteria provided, single submitter. Criteria: Invitae Variant Classification Sherloc (09022015). Collection method: clinical testing. Allele origin: germline.
Comment: In summary, the available evidence is currently insufficient to determine the role of this variant in disease. Therefore, it has been classified as a Variant of Uncertain Significance. Advanced modeling of protein sequence and biophysical properties (such as structural, functional, and spatial information, amino acid conservation, physicochemical variation, residue mobility, and thermodynamic stability) performed at Invitae indicates that this missense variant is expected to disrupt SLC52A2 protein function. This variant has not been reported in the literature in individuals with SLC52A2-related conditions. This variant is not present in population databases (ExAC no frequency). This sequence change replaces cysteine with arginine at codon 439 of the SLC52A2 protein (p.Cys439Arg). The cysteine residue is highly conserved and there is a large physicochemical difference between cysteine and arginine.